The following is an entry in ClinVar:

NM_001458.5(FLNC):c.2809C>T (p.Gln937Ter)

Gene: FLNC (filamin C; plus strand). Cytogenetic location: 7q32.1.
Variant type: single nucleotide variant.
Coding change: c.2809C>T on transcript NM_001458.5 (MANE Select); coding-DNA position 2809, C replaced by T.
Protein change: p.Gln937Ter; replaces glutamine 937 with a stop codon.
Molecular consequence: nonsense.
Genome position (GRCh38, 1-based): chr7:128,843,575, C>T. VCF-style: chr7-128843575-C-T. GRCh37 (hg19) VCF-style: chr7-128483629-C-T.
Other names: c.2809C>T, p.Gln937Ter (NM_001127487.2); short protein forms Q937*.
Identifiers: ClinVar variation 2585953 (VCV002585953.6), dbSNP rs1283989527, ClinGen allele CA369193325.
Genomic context (GRCh38, chr7:128,843,575, plus strand): 5'-GACTTTGAGATCATAGACAACCATGACTACTCCTACACTGTCAAGTACACCGCTGTCCAG[C>T]AGGTGCGCTCTGCCCCTCCCATGCTACCGCCCGGCCGGCCCGCCAGAGCCCTGGGTCTCC-3'

ClinVar aggregate classification (germline): Pathogenic. Review status: criteria provided, multiple submitters, no conflicts (2 of 4 stars). 3 submissions from 3 submitters: Pathogenic (3). Last evaluated 2025-11-18.

Conditions:
Hypertrophic cardiomyopathy 26. Also called: Cardiomyopathy, familial hypertrophic, 26. Identifiers: Orphanet 75249, MedGen C4310749, MONDO:0014883, OMIM 617047.
Myofibrillar myopathy 5. Also called: FILAMINOPATHY, AUTOSOMAL DOMINANT; Filaminopathy (type). Identifiers: Orphanet 171445, MedGen C1836050, MONDO:0012289, OMIM 609524.
Distal myopathy with posterior leg and anterior hand involvement. Also called: WILLIAMS DISTAL MYOPATHY. Identifiers: Orphanet 63273, MedGen C3279722, MONDO:0013550, OMIM 614065.
Cardiovascular phenotype. Identifiers: MedGen CN230736.

gnomAD v4.1: 1 of 1,613,754 alleles (0.000062%); highest among the groups gnomAD compares: Non-Finnish European, 0.000085%; no homozygotes.

Submissions (3):

Labcorp Genetics (formerly Invitae), Labcorp
Classification: Pathogenic for Distal myopathy with posterior leg and anterior hand involvement; Myofibrillar myopathy 5; Hypertrophic cardiomyopathy 26. Last evaluated: 2025-11-18. Review status: criteria provided, single submitter. Criteria: Invitae Variant Classification Sherloc (09022015). Collection method: clinical testing. Allele origin: germline.
Comment: This sequence change creates a premature translational stop signal (p.Gln937*) in the FLNC gene. It is expected to result in an absent or disrupted protein product. Loss-of-function variants in FLNC are known to be pathogenic (PMID: 27908349). This variant is not present in population databases (gnomAD no frequency). This variant has not been reported in the literature in individuals affected with FLNC-related conditions. ClinVar contains an entry for this variant (Variation ID: 2585953). Algorithms developed to predict the effect of sequence changes on RNA splicing suggest that this variant may disrupt the consensus splice site. For these reasons, this variant has been classified as Pathogenic.

GeneDx
Classification: Pathogenic. Last evaluated: 2025-11-02. Review status: criteria provided, single submitter. Criteria: GeneDx Variant Classification Process June 2021. Collection method: clinical testing. Allele origin: germline.
Comment: Nonsense variant predicted to result in protein truncation or nonsense mediated decay in a gene for which loss of function is a known mechanism of disease; Not observed at significant frequency in large population cohorts (gnomAD); This variant is associated with the following publications: (PMID: 37673657, 37635079)

Ambry Genetics
Classification: Pathogenic for Cardiovascular phenotype. Last evaluated: 2023-07-05. Review status: criteria provided, single submitter. Criteria: Ambry Variant Classification Scheme 2023. Collection method: clinical testing. Allele origin: germline.
Comment: The p.Q937* pathogenic mutation (also known as c.2809C>T), located in coding exon 18 of the FLNC gene, results from a C to T substitution at nucleotide position 2809. This changes the amino acid from a glutamine to a stop codon within coding exon 18. This variant is considered to be rare based on population cohorts in the Genome Aggregation Database (gnomAD). This alteration is expected to result in loss of function by premature protein truncation or nonsense-mediated mRNA decay. Based on the supporting evidence, this variant is expected to be causative of FLNC-related dilated cardiomyopathy; however, its clinical significance for FLNC-related hypertrophy/restrictive cardiomyopathy and/or skeletal myopathy is unclear.

Literature cited by the submitters: PubMed 27908349 (cited by Labcorp Genetics (formerly Invitae), Labcorp).